The following is an entry in ClinVar:

NC_000021.9:g.45405398C>T

Genes: BNAT1 (breast cancer associated ESR1 regulating natural antisense transcript 1; minus strand), COL18A1 (collagen type XVIII alpha 1 chain; plus strand). Cytogenetic location: 21q22.3.
Variant type: single nucleotide variant.
Genome position: GRCh38 VCF-style: chr21-45405398-C-T. GRCh37 (hg19) VCF-style: chr21-46825313-C-T.
Other names: NM_130445.2:c.31C>T; NM_130445.4:c.31C>T; NM_130445.3:c.31C>T; c.31C>T (NM_001379500.1).
Identifiers: ClinVar variation 896439 (VCV000896439.9), dbSNP rs754075778, ClinGen allele CA10065181.

ClinVar aggregate classification (germline): Conflicting classifications of pathogenicity. Review status: criteria provided, conflicting classifications (1 of 4 stars). 5 submissions from 5 submitters: Uncertain significance (3); Likely benign (1). 1 of the submissions does not count toward it. Last evaluated 2024-09-20.

Conditions:
COL18A1-related disorder. Also called: COL18A1-related disorders; COL18A1-related condition.
Knobloch syndrome 1 (KNO1). Identifiers: MedGen C4551775, MONDO:0800167, OMIM 267750.
Knobloch syndrome (KNO). Also called: RETINAL DETACHMENT AND OCCIPITAL ENCEPHALOCELE; Myopia retinal detachment encephalocele. Identifiers: Orphanet 1571, MedGen C1849409, MONDO:0800166.

Allele frequency attached by ClinVar (database versions not stated): gnomAD 0.00002 and 0.00006; TOPMed 0.00002; gnomAD exomes 0.00008; 1000 Genomes Project 30x 0.00031; ExAC 0.00070.
gnomAD v4.1: 25 of 1,305,122 alleles (0.0019%); highest among the groups gnomAD compares: Middle Eastern, 0.029%; no homozygotes.

Submissions (5):

3billion
Classification: Likely benign for Knobloch syndrome 1. Last evaluated: 2024-09-20. Review status: criteria provided, single submitter. Criteria: ACMG Guidelines, 2015. Collection method: clinical testing. Allele origin: germline. Affected: no.
Comment: The homozygous variant was found in patients diagnosed with another variant in a different gene, with no symptoms related to the gene containing the homozygous variant.

Labcorp Genetics (formerly Invitae), Labcorp
Classification: Uncertain significance. Last evaluated: 2024-01-18. Review status: criteria provided, single submitter. Criteria: Invitae Variant Classification Sherloc (09022015). Collection method: clinical testing. Allele origin: germline.
Comment: This sequence change replaces arginine, which is basic and polar, with tryptophan, which is neutral and slightly polar, at codon 11 of the COL18A1 protein (p.Arg11Trp). This variant is present in population databases (rs754075778, gnomAD 0.1%). This variant has not been reported in the literature in individuals affected with COL18A1-related conditions. ClinVar contains an entry for this variant (Variation ID: 896439). Experimental studies and prediction algorithms are not available or were not evaluated, and the functional significance of this variant is currently unknown. In summary, the available evidence is currently insufficient to determine the role of this variant in disease. Therefore, it has been classified as a Variant of Uncertain Significance.

Revvity Omics, Revvity
Classification: Uncertain significance. Last evaluated: 2021-08-23. Review status: criteria provided, single submitter. Criteria: ACMG Guidelines, 2015. Collection method: clinical testing. Allele origin: germline.

Illumina Laboratory Services, Illumina
Classification: Uncertain significance for Knobloch syndrome 1. Last evaluated: 2018-01-12. Review status: criteria provided, single submitter. Criteria: ICSL Variant Classification Criteria 13 December 2019. Collection method: clinical testing. Allele origin: germline.

PreventionGenetics, part of Exact Sciences
Classification: Likely benign for COL18A1-related condition. Last evaluated: 2024-09-06. Review status: no assertion criteria provided. Collection method: clinical testing. Allele origin: germline. Not counted in ClinVar's aggregate classification.
Comment: This variant is classified as likely benign based on ACMG/AMP sequence variant interpretation guidelines (Richards et al. 2015 PMID: 25741868, with internal and published modifications).